The following is an entry in ClinVar:

NM_001099922.3(ALG13):c.3337G>A (p.Gly1113Ser)

Gene: ALG13 (ALG13 UDP-N-acetylglucosaminyltransferase subunit; plus strand). Cytogenetic location: Xq23.
Variant type: single nucleotide variant.
Coding change: c.3337G>A on transcript NM_001099922.3 (MANE Select); coding-DNA position 3337, G replaced by A.
Protein change: p.Gly1113Ser; replaces glycine 1113 with serine.
Molecular consequence: missense variant. On other transcripts: non-coding transcript variant (1).
Genome position (GRCh38, 1-based): chrX:111,759,922, G>A. VCF-style: chrX-111759922-G-A. GRCh37 (hg19) VCF-style: chrX-111003150-G-A.
Other names: c.2788G>A, p.Gly930Ser (NM_001257230.2, NM_001257234.2, NM_001257237.2); c.3103G>A, p.Gly1035Ser (NM_001257231.2); c.3100G>A, p.Gly1034Ser (NM_001324292.2); c.2614G>A, p.Gly872Ser (NM_001324293.1); short protein forms G1035S, G1034S, G872S, G1113S, G930S.
Identifiers: ClinVar variation 949699 (VCV000949699.10), dbSNP rs755772374, ClinGen allele CA10494077.
Genomic context (GRCh38, chrX:111,759,922, plus strand): 5'-TCCTGTGTTCCCCCCTGGCATCCAGTTGGTACAGCATATGGTGGTTCTTCTCAAATTCAT[G>A]GTGCTATAAATCCTGGGCCAATTGGCTGTATTGCTCCATCTCCCCCAGCTTCTCATTATG-3'
Protein context (NP_001093392.1, residues 1103-1123): TAYGGSSQIH[Gly1113Ser]AINPGPIGCI

ClinVar aggregate classification (germline): Uncertain significance (1 of 4 stars; one submission).

Conditions:
Developmental and epileptic encephalopathy, 36 (DEE36). Also called: ALG13-CDG; Epileptic encephalopathy, early infantile, 36; Congenital disorder of glycosylation, type Is. Identifiers: Orphanet 324422, MedGen C4317295, MONDO:0010472, OMIM 300884.

Allele frequency attached by ClinVar (database versions not stated): gnomAD exomes below 0.00001 and 0.00001; ExAC 0.00002.
gnomAD v4.1: 2 of 1,210,655 alleles (0.00017%); highest among the groups gnomAD compares: Non-Finnish European, 0.00022%; no homozygotes.

Submission:

Labcorp Genetics (formerly Invitae), Labcorp
Classification: Uncertain significance for Developmental and epileptic encephalopathy, 36. Last evaluated: 2023-08-14. Review status: criteria provided, single submitter. Criteria: Invitae Variant Classification Sherloc (09022015). Collection method: clinical testing. Allele origin: germline.
Comment: This sequence change replaces glycine, which is neutral and non-polar, with serine, which is neutral and polar, at codon 1113 of the ALG13 protein (p.Gly1113Ser). This variant is present in population databases (rs755772374, gnomAD 0.003%), including at least one homozygous and/or hemizygous individual. This variant has not been reported in the literature in individuals affected with ALG13-related conditions. ClinVar contains an entry for this variant (Variation ID: 949699). An algorithm developed to predict the effect of missense changes on protein structure and function (PolyPhen-2) suggests that this variant is likely to be disruptive. In summary, the available evidence is currently insufficient to determine the role of this variant in disease. Therefore, it has been classified as a Variant of Uncertain Significance.